The following is an entry in ClinVar:

NM_002137.4(HNRNPA2B1):c.601C>T (p.Arg201Cys)

Gene: HNRNPA2B1 (heterogeneous nuclear ribonucleoprotein A2/B1; minus strand). Cytogenetic location: 7p15.2.
Variant type: single nucleotide variant.
Coding change: c.601C>T on transcript NM_002137.4 (MANE Select); coding-DNA position 601, C replaced by T.
Protein change: p.Arg201Cys; replaces arginine 201 with cysteine.
Molecular consequence: missense variant.
Genome position (GRCh38, 1-based): chr7:26,196,458, G>A on the plus strand (C>T on the coding strand, the complement: HNRNPA2B1 is on the minus strand). VCF-style: chr7-26196458-G-A. GRCh37 (hg19) VCF-style: chr7-26236078-G-A.
Other names: c.637C>T, p.Arg213Cys (NM_031243.4); short protein forms R201C, R213C.
Identifiers: ClinVar variation 1060923 (VCV001060923.9), dbSNP rs1480889342, ClinGen allele CA367078357.

ClinVar aggregate classification (germline): Uncertain significance (1 of 4 stars; one submission).

Conditions:
Inclusion body myopathy with early-onset Paget disease with or without frontotemporal dementia 2 (IBMPFD2). Also called: MULTISYSTEM PROTEINOPATHY 2. Identifiers: MedGen C3809468, MONDO:0014178, OMIM 615422.

Allele frequency attached by ClinVar (database versions not stated): gnomAD exomes below 0.00001.
gnomAD v4.1: 2 of 1,614,086 alleles (0.00012%); highest among the groups gnomAD compares: East Asian, 0.0022%; no homozygotes.

Submission:

Labcorp Genetics (formerly Invitae), Labcorp
Classification: Uncertain significance for Inclusion body myopathy with early-onset Paget disease with or without frontotemporal dementia 2. Last evaluated: 2020-02-10. Review status: criteria provided, single submitter. Criteria: Invitae Variant Classification Sherloc (09022015). Collection method: clinical testing. Allele origin: germline.
Comment: This sequence change replaces arginine with cysteine at codon 213 of the HNRNPA2B1 protein (p.Arg213Cys). The arginine residue is highly conserved and there is a large physicochemical difference between arginine and cysteine. This variant is not present in population databases (ExAC no frequency). This variant has not been reported in the literature in individuals with HNRNPA2B1-related conditions. Algorithms developed to predict the effect of missense changes on protein structure and function are either unavailable or do not agree on the potential impact of this missense change (SIFT: "Deleterious"; PolyPhen-2: "Benign"; Align-GVGD: "Class C65"). In summary, the available evidence is currently insufficient to determine the role of this variant in disease. Therefore, it has been classified as a Variant of Uncertain Significance.